The following is an entry in ClinVar:

ClinVar aggregate classification (germline): Benign. Review status: criteria provided, single submitter (1 of 4 stars). 2 submissions from 2 submitters: Benign (1). 1 of the submissions does not count toward it. Last evaluated 2025-12-09.

Conditions:
MCM3AP-related disorder. Also called: MCM3AP-related condition.

Allele frequency attached by ClinVar (database versions not stated): ExAC 0.00047; 1000 Genomes Project 0.00120; 1000 Genomes Project 30x 0.00141.
gnomAD v4.1: 271 of 1,614,120 alleles (0.017%); highest among the groups gnomAD compares: East Asian, 0.48%; 2 homozygotes.

Submissions (2):

Labcorp Genetics (formerly Invitae), Labcorp
Classification: Benign. Last evaluated: 2025-12-09. Review status: criteria provided, single submitter. Criteria: Invitae Variant Classification Sherloc (09022015). Collection method: clinical testing. Allele origin: germline.

PreventionGenetics, part of Exact Sciences
Classification: Benign for MCM3AP-related condition. Last evaluated: 2019-08-07. Review status: no assertion criteria provided. Collection method: clinical testing. Allele origin: germline. Not counted in ClinVar's aggregate classification.
Comment: This variant is classified as benign based on ACMG/AMP sequence variant interpretation guidelines (Richards et al. 2015 PMID: 25741868, with internal and published modifications).

NM_003906.5(MCM3AP):c.2717G>A (p.Arg906His)

Gene: MCM3AP (minichromosome maintenance complex component 3 associated protein; minus strand). Cytogenetic location: 21q22.3.
Variant type: single nucleotide variant.
Coding change: c.2717G>A on transcript NM_003906.5 (MANE Select); coding-DNA position 2717, G replaced by A.
Protein change: p.Arg906His; replaces arginine 906 with histidine.
Molecular consequence: missense variant.
Genome position (GRCh38, 1-based): chr21:46,267,054, C>T on the plus strand (G>A on the coding strand, the complement: MCM3AP is on the minus strand). VCF-style: chr21-46267054-C-T. GRCh37 (hg19) VCF-style: chr21-47686968-C-T.
Other names: c.2717G>A (NM_003906.4); short protein forms R906H.
Identifiers: ClinVar variation 1628014 (VCV001628014.10), dbSNP rs187016623, ClinGen allele CA10076763.